The following is an entry in ClinVar:

NM_021975.4(RELA):c.1585T>C (p.Ser529Pro)

Gene: RELA (RELA proto-oncogene, NF-kB subunit; minus strand). Cytogenetic location: 11q13.1.
Variant type: single nucleotide variant.
Coding change: c.1585T>C on transcript NM_021975.4 (MANE Select); coding-DNA position 1585, T replaced by C.
Protein change: p.Ser529Pro; replaces serine 529 with proline.
Molecular consequence: missense variant.
Genome position (GRCh38, 1-based): chr11:65,654,449, A>G on the plus strand (T>C on the coding strand, the complement: RELA is on the minus strand). VCF-style: chr11-65654449-A-G. GRCh37 (hg19) VCF-style: chr11-65421920-A-G.
Other names: c.1576T>C, p.Ser526Pro (NM_001145138.2); c.1378T>C, p.Ser460Pro (NM_001243984.2); c.1276T>C, p.Ser426Pro (NM_001243985.2); c.1372T>C, p.Ser458Pro (NM_001404659.1); c.1267T>C, p.Ser423Pro (NM_001404660.1); c.1204T>C, p.Ser402Pro (NM_001404661.1); c.1492T>C, p.Ser498Pro (NM_001404662.1, NM_001404663.1); c.1618T>C, p.Ser540Pro (NM_001404657.1); and 1 more; short protein forms S520P, S526P, S529P, S402P, S426P, S458P, S460P, S498P.
Identifiers: ClinVar variation 3693789 (VCV003693789.2).
Genomic context (GRCh38, chr11:65,654,449, plus strand): 5'-TCTGACTCAGCAGGGCTGAGAAGTCCATGTCCGCAATGGAGGAGAAGTCTTCATCTCCTG[A>G]AAGGAGGCCATTGGGGAGCCCCGGGGCCCCCAGTGGAGCAGGAGCTGGGTCGGGGGGCCT-3'
Protein context (NP_068810.3, residues 519-539): GAPGLPNGLL[Ser529Pro]GDEDFSSIAD

ClinVar aggregate classification (germline): Uncertain significance (1 of 4 stars; one submission).

gnomAD v4.1: 10 of 1,609,762 alleles (0.00062%); highest among the groups gnomAD compares: Non-Finnish European, 0.00085%; no homozygotes.

Submission:

Labcorp Genetics (formerly Invitae), Labcorp
Classification: Uncertain significance. Last evaluated: 2024-11-05. Review status: criteria provided, single submitter. Criteria: Invitae Variant Classification Sherloc (09022015). Collection method: clinical testing. Allele origin: germline.
Comment: This sequence change replaces serine, which is neutral and polar, with proline, which is neutral and non-polar, at codon 529 of the RELA protein (p.Ser529Pro). This variant is present in population databases (no rsID available, gnomAD 0.0009%). This variant has not been reported in the literature in individuals affected with RELA-related conditions. An algorithm developed to predict the effect of missense changes on protein structure and function outputs the following: PolyPhen-2: "Benign". The proline amino acid residue is found in multiple mammalian species, which suggests that this missense change does not adversely affect protein function. In summary, the available evidence is currently insufficient to determine the role of this variant in disease. Therefore, it has been classified as a Variant of Uncertain Significance.